The following is an entry in ClinVar:

NM_021625.5(TRPV4):c.634G>A (p.Val212Met)

Gene: TRPV4 (transient receptor potential cation channel subfamily V member 4; minus strand). Cytogenetic location: 12q24.11.
Variant type: single nucleotide variant.
Coding change: c.634G>A on transcript NM_021625.5 (MANE Select); coding-DNA position 634, G replaced by A.
Protein change: p.Val212Met; replaces valine 212 with methionine.
Molecular consequence: missense variant.
Genome position (GRCh38, 1-based): chr12:109,803,069, C>T on the plus strand (G>A on the coding strand, the complement: TRPV4 is on the minus strand). VCF-style: chr12-109803069-C-T. GRCh37 (hg19) VCF-style: chr12-110240874-C-T.
Other names: c.634G>A, p.Val212Met (NM_001177428.2, NM_001177433.2, NM_147204.3); c.532G>A, p.Val178Met (NM_001177431.2); short protein forms V178M, V212M.
Identifiers: ClinVar variation 2804092 (VCV002804092.3), dbSNP rs1890908604, ClinGen allele CA386656126.
Genomic context (GRCh38, chr12:109,803,069, plus strand): 5'-GGAAGGGCGAGTTAATGAACTCCCTCATGTTGCCGGTGCGCTCCGCGATGTCCAGCAGCA[C>T]AGGGATGGTGTCGTTGCGGCCATTGCTCAGGTTCAGCAAGGCCTTGGGCAGGCAGGTCTT-3'
Protein context (NP_067638.3, residues 202-222): LSNGRNDTIP[Val212Met]LLDIAERTGN

ClinVar aggregate classification (germline): Uncertain significance (1 of 4 stars; one submission).

Conditions:
Charcot-Marie-Tooth disease axonal type 2C (HMSN2C). Also called: CHARCOT-MARIE-TOOTH DISEASE, AXONAL, AUTOSOMAL DOMINANT, TYPE 2C; Charcot-Marie-Tooth Neuropathy Type 2C; Charcot-Marie-Tooth Disease Type 2, TRPV4-Related (CMT2C). Identifiers: Orphanet 99937, MedGen C1853710, MONDO:0011633, OMIM 606071.

Allele frequency attached by ClinVar (database versions not stated): TOPMed below 0.00001.

Submission:

Labcorp Genetics (formerly Invitae), Labcorp
Classification: Uncertain significance for Charcot-Marie-Tooth disease axonal type 2C. Last evaluated: 2023-08-02. Review status: criteria provided, single submitter. Criteria: Invitae Variant Classification Sherloc (09022015). Collection method: clinical testing. Allele origin: germline.
Comment: This sequence change replaces valine, which is neutral and non-polar, with methionine, which is neutral and non-polar, at codon 212 of the TRPV4 protein (p.Val212Met). This variant is not present in population databases (gnomAD no frequency). This variant has not been reported in the literature in individuals affected with TRPV4-related conditions. Advanced modeling of protein sequence and biophysical properties (such as structural, functional, and spatial information, amino acid conservation, physicochemical variation, residue mobility, and thermodynamic stability) performed at Invitae indicates that this missense variant is not expected to disrupt TRPV4 protein function. In summary, the available evidence is currently insufficient to determine the role of this variant in disease. Therefore, it has been classified as a Variant of Uncertain Significance.